The following is an entry in ClinVar:

ClinVar aggregate classification (germline): Uncertain significance (1 of 4 stars; one submission).

Conditions:
Long QT syndrome (LQTS). Identifiers: MedGen C0023976, MeSH D008133, MONDO:0002442. Disease mechanism: loss of function. Inheritance: Various modes of inheritance.

Submission:

Labcorp Genetics (formerly Invitae), Labcorp
Classification: Uncertain significance for Long QT syndrome. Last evaluated: 2025-05-13. Review status: criteria provided, single submitter. Criteria: Invitae Variant Classification Sherloc (09022015). Collection method: clinical testing. Allele origin: germline.
Comment: This sequence change replaces arginine, which is basic and polar, with glycine, which is neutral and non-polar, at codon 77 of the KCNH2 protein (p.Arg77Gly). This variant is not present in population databases (gnomAD no frequency). This variant has not been reported in the literature in individuals affected with KCNH2-related conditions. An algorithm developed to predict the effect of missense changes on protein structure and function (PolyPhen-2) suggests that this variant is likely to be tolerated. In summary, the available evidence is currently insufficient to determine the role of this variant in disease. Therefore, it has been classified as a Variant of Uncertain Significance.

NM_000238.4(KCNH2):c.229C>G (p.Arg77Gly)

Gene: KCNH2 (potassium voltage-gated channel subfamily H member 2; minus strand). Cytogenetic location: 7q36.1.
Variant type: single nucleotide variant.
Coding change: c.229C>G on transcript NM_000238.4 (MANE Select); coding-DNA position 229, C replaced by G.
Protein change: p.Arg77Gly; replaces arginine 77 with glycine.
Molecular consequence: missense variant. On other transcripts: non-coding transcript variant (1).
Genome position (GRCh38, 1-based): chr7:150,974,789, G>C on the plus strand (C>G on the coding strand, the complement: KCNH2 is on the minus strand). VCF-style: chr7-150974789-G-C. GRCh37 (hg19) VCF-style: chr7-150671877-G-C.
Other names: c.52C>G, p.Arg18Gly (NM_001406755.1); c.229C>G, p.Arg77Gly (NM_172056.3); short protein forms R77G, R18G.
Identifiers: ClinVar variation 4774269 (VCV004774269.1).